The following is an entry in ClinVar:

NM_003119.4(SPG7):c.1595C>T (p.Ala532Val)

Gene: SPG7 (SPG7 matrix AAA peptidase subunit, paraplegin; plus strand). Cytogenetic location: 16q24.3.
Variant type: single nucleotide variant.
Coding change: c.1595C>T on transcript NM_003119.4 (MANE Select); coding-DNA position 1595, C replaced by T.
Protein change: p.Ala532Val; replaces alanine 532 with valine.
Molecular consequence: missense variant.
Genome position (GRCh38, 1-based): chr16:89,548,045, C>T. VCF-style: chr16-89548045-C-T. GRCh37 (hg19) VCF-style: chr16-89614453-C-T.
Other names: c.1595C>T, p.Ala532Val (NM_001363850.1); short protein forms A532V.
Identifiers: ClinVar variation 2726557 (VCV002726557.3), dbSNP rs1229935577, ClinGen allele CA397427723.

ClinVar aggregate classification (germline): Uncertain significance (1 of 4 stars; one submission).

Conditions:
Hereditary spastic paraplegia 7 (SPG7). Also called: Autosomal recessive spastic paraplegia type 7; SPASTIC PARAPLEGIA 7, AUTOSOMAL RECESSIVE, WITH OR WITHOUT CEREBELLAR ATAXIA; Spastic paraplegia 7; Hereditary spastic paraplegia Paraplegin type; SPG7-related neurologic disorder. Identifiers: Orphanet 99013, MedGen C1846564, MONDO:0011803, OMIM 607259.

Allele frequency attached by ClinVar (database versions not stated): gnomAD 0.00001; gnomAD exomes 0.00001; TOPMed 0.00001.
gnomAD v4.1: 8 of 1,611,940 alleles (0.0005%); highest among the groups gnomAD compares: South Asian, 0.0011%; no homozygotes.

Submission:

Labcorp Genetics (formerly Invitae), Labcorp
Classification: Uncertain significance for Hereditary spastic paraplegia 7. Last evaluated: 2024-08-05. Review status: criteria provided, single submitter. Criteria: Invitae Variant Classification Sherloc (09022015). Collection method: clinical testing. Allele origin: germline.
Comment: This sequence change replaces alanine, which is neutral and non-polar, with valine, which is neutral and non-polar, at codon 532 of the SPG7 protein (p.Ala532Val). This variant is present in population databases (no rsID available, gnomAD 0.003%). This variant has not been reported in the literature in individuals affected with SPG7-related conditions. Advanced modeling of protein sequence and biophysical properties (such as structural, functional, and spatial information, amino acid conservation, physicochemical variation, residue mobility, and thermodynamic stability) performed at Invitae indicates that this missense variant is expected to disrupt SPG7 protein function with a positive predictive value of 80%. In summary, the available evidence is currently insufficient to determine the role of this variant in disease. Therefore, it has been classified as a Variant of Uncertain Significance.